The following is an entry in ClinVar:

ClinVar aggregate classification (germline): Pathogenic/Likely pathogenic. Review status: criteria provided, multiple submitters, no conflicts (2 of 4 stars). 2 submissions from 2 submitters: Pathogenic (1); Likely pathogenic (1). Last evaluated 2025-12-23.

Conditions:
NBN-related disorder. Also called: NBN-related condition.
Microcephaly, normal intelligence and immunodeficiency (NBS). Also called: Microcephaly with normal intelligence immunodeficiency and lymphoreticular malignancies; Nonsyndromal microcephaly autosomal recessive with normal intelligence; Seemanova syndrome 2; SEEMANOVA SYNDROME II; BERLIN BREAKAGE SYNDROME; Immunodeficiency, microcephaly with normal intelligence. Identifiers: Orphanet 647, MedGen C0398791, MONDO:0009623, OMIM 251260.

Submissions (2):

Labcorp Genetics (formerly Invitae), Labcorp
Classification: Pathogenic for Microcephaly, normal intelligence and immunodeficiency. Last evaluated: 2025-12-23. Review status: criteria provided, single submitter. Criteria: Invitae Variant Classification Sherloc (09022015). Collection method: clinical testing. Allele origin: germline.
Comment: This sequence change creates a premature translational stop signal (p.Tyr16*) in the NBN gene. It is expected to result in an absent or disrupted protein product. Loss-of-function variants in NBN are known to be pathogenic (PMID: 9590180, 16415040). This variant is not present in population databases (gnomAD no frequency). This variant has not been reported in the literature in individuals affected with NBN-related conditions. ClinVar contains an entry for this variant (Variation ID: 1072454). For these reasons, this variant has been classified as Pathogenic.

PreventionGenetics, part of Exact Sciences
Classification: Likely pathogenic for NBN-related condition. Last evaluated: 2023-01-25. Review status: criteria provided, single submitter. Criteria: ACMG Guidelines, 2015. Collection method: clinical testing. Allele origin: germline.
Comment: The NBN c.48C>G variant is predicted to result in premature protein termination (p.Tyr16*). To our knowledge, this variant has not been reported in the literature. However, truncating variants in NBN are expected to be pathogenic (Varon et al 2006. PubMed ID: 16415040; Varon et al 1998. PubMed ID: 9590180). This variant has not been reported in a large population database, indicating this variant is rare. This variant has been reported in ClinVar as pathogenic. This variant is interpreted as likely pathogenic.

Literature cited by the submitters: PubMed 9590180 (cited by Labcorp Genetics (formerly Invitae), Labcorp); PubMed 16415040 (cited by Labcorp Genetics (formerly Invitae), Labcorp).

NM_002485.5(NBN):c.48C>G (p.Tyr16Ter)

Gene: NBN (nibrin; minus strand). Cytogenetic location: 8q21.3.
Variant type: single nucleotide variant.
Coding change: c.48C>G on transcript NM_002485.5 (MANE Select); coding-DNA position 48, C replaced by G.
Protein change: p.Tyr16Ter; replaces tyrosine 16 with a stop codon.
Molecular consequence: nonsense. On other transcripts: 5 prime UTR variant (1).
Genome position (GRCh38, 1-based): chr8:89,982,845, G>C on the plus strand (C>G on the coding strand, the complement: NBN is on the minus strand). VCF-style: chr8-89982845-G-C. GRCh37 (hg19) VCF-style: chr8-90995073-G-C.
Other names: c.-249C>G (NM_001024688.3); c.48C>G (NM_002485.4); short protein forms Y16*.
Identifiers: ClinVar variation 1072454 (VCV001072454.9), dbSNP rs2129926091, ClinGen allele CA371663676.